The following is an entry in ClinVar:

NM_007294.4(BRCA1):c.3979C>A (p.Gln1327Lys)

Genes: BRCA1 (BRCA1 DNA repair associated; minus strand), LOC126862571 (BRD4-independent group 4 enhancer GRCh37_chr17:41243136-41244335; plus strand). Cytogenetic location: 17q21.31.
Variant type: single nucleotide variant.
Coding change: c.3979C>A on transcript NM_007294.4 (MANE Select); coding-DNA position 3979, C replaced by A.
Protein change: p.Gln1327Lys; replaces glutamine 1327 with lysine.
Molecular consequence: missense variant. On other transcripts: intron variant (135).
Genome position (GRCh38, 1-based): chr17:43,091,552, G>T on the plus strand (C>A on the coding strand, the complement: BRCA1 is on the minus strand). VCF-style: chr17-43091552-G-T. GRCh37 (hg19) VCF-style: chr17-41243569-G-T.
Other names: c.3766C>A, p.Gln1256Lys (NM_001407897.1, NM_001407898.1, NM_001407899.1 and 9 more transcripts); c.3769C>A, p.Gln1257Lys (NM_001407900.1, NM_001407902.1, NM_001407904.1 and 13 more transcripts); c.3856C>A, p.Gln1286Lys (NM_001407919.1, NM_001407648.1, NM_001407664.1 and 19 more transcripts); c.3715C>A, p.Gln1239Lys (NM_001407926.1, NM_001407927.1, NM_001407933.1 and 9 more transcripts); c.3712C>A, p.Gln1238Lys (NM_001407930.1, NM_001407931.1, NM_001407932.1 and 2 more transcripts); c.3979C>A, p.Gln1327Lys (NM_001407581.1, NM_001407582.1, NM_001407583.1 and 30 more transcripts); c.3976C>A, p.Gln1326Lys (NM_001407587.1, NM_001407590.1, NM_001407591.1 and 22 more transcripts); c.3970C>A, p.Gln1324Lys (NM_001407646.1, NM_001407647.1); and 41 more; short protein forms Q1031K, Q1159K, Q1238K, Q1239K, Q1259K, Q1285K, Q1286K, Q1324K.
Identifiers: ClinVar variation 2851139 (VCV002851139.3), dbSNP rs876659720, ClinGen allele CA10594007.

ClinVar aggregate classification (germline): Uncertain significance (1 of 4 stars; one submission).

Conditions:
Hereditary breast ovarian cancer syndrome. Also called: Hereditary breast and ovarian cancer syndrome (HBOC); Hereditary breast and ovarian cancer syndrome; Breast and ovarian cancer; BRCA1- and BRCA2-Associated Hereditary Breast and Ovarian Cancer; Hereditary breast and ovarian cancer; Hereditary breast and/or ovarian cancer syndrome. Identifiers: Orphanet 145, MedGen C0677776, MeSH D061325, MONDO:0003582. Disease mechanism: loss of function.

Submission:

Labcorp Genetics (formerly Invitae), Labcorp
Classification: Uncertain significance for Hereditary breast ovarian cancer syndrome. Last evaluated: 2023-03-31. Review status: criteria provided, single submitter. Criteria: Invitae Variant Classification Sherloc (09022015). Collection method: clinical testing. Allele origin: germline.
Comment: This variant has not been reported in the literature in individuals affected with BRCA1-related conditions. In summary, the available evidence is currently insufficient to determine the role of this variant in disease. Therefore, it has been classified as a Variant of Uncertain Significance. Advanced modeling of protein sequence and biophysical properties (such as structural, functional, and spatial information, amino acid conservation, physicochemical variation, residue mobility, and thermodynamic stability) performed at Invitae indicates that this missense variant is not expected to disrupt BRCA1 protein function. This variant is not present in population databases (gnomAD no frequency). This sequence change replaces glutamine, which is neutral and polar, with lysine, which is basic and polar, at codon 1327 of the BRCA1 protein (p.Gln1327Lys).